The following is an entry in ClinVar:

ClinVar aggregate classification (germline): Uncertain significance. Review status: criteria provided, multiple submitters, no conflicts (2 of 4 stars). 4 submissions from 4 submitters: Uncertain significance (3). 1 of the submissions does not count toward it. Last evaluated 2025-07-03.

Conditions:
POLE-related disorder. Also called: POLE-related disorders; POLE-related condition.
Hereditary cancer-predisposing syndrome. Also called: Hereditary Cancer Syndrome; Tumor predisposition; Hereditary neoplastic syndrome; Neoplastic Syndromes, Hereditary. Identifiers: Orphanet 140162, MedGen C0027672, MeSH D009386, MONDO:0015356.

Allele frequency attached by ClinVar (database versions not stated): gnomAD 0.00001; TOPMed 0.00001.
gnomAD v4.1: 2 of 1,613,606 alleles (0.00012%); highest among the groups gnomAD compares: African/African-American, 0.0027%; no homozygotes.

Submissions (4):

Ambry Genetics
Classification: Uncertain significance for Hereditary cancer-predisposing syndrome. Last evaluated: 2025-07-03. Review status: criteria provided, single submitter. Criteria: Ambry Variant Classification Scheme 2023. Collection method: clinical testing. Allele origin: germline.
Comment: The p.F2214V variant (also known as c.6640T>G), located in coding exon 47 of the POLE gene, results from a T to G substitution at nucleotide position 6640. The phenylalanine at codon 2214 is replaced by valine, an amino acid with highly similar properties. This amino acid position is conserved. In addition, the in silico prediction for this alteration is inconclusive. Since supporting evidence is limited at this time, the clinical significance of this alteration remains unclear.

Labcorp Genetics (formerly Invitae), Labcorp
Classification: Uncertain significance. Last evaluated: 2024-12-30. Review status: criteria provided, single submitter. Criteria: Invitae Variant Classification Sherloc (09022015). Collection method: clinical testing. Allele origin: germline.
Comment: This sequence change replaces phenylalanine, which is neutral and non-polar, with valine, which is neutral and non-polar, at codon 2214 of the POLE protein (p.Phe2214Val). This variant is not present in population databases (gnomAD no frequency). This variant has not been reported in the literature in individuals affected with POLE-related conditions. ClinVar contains an entry for this variant (Variation ID: 1414706). Invitae Evidence Modeling of protein sequence and biophysical properties (such as structural, functional, and spatial information, amino acid conservation, physicochemical variation, residue mobility, and thermodynamic stability) indicates that this missense variant is not expected to disrupt POLE protein function with a negative predictive value of 80%. In summary, the available evidence is currently insufficient to determine the role of this variant in disease. Therefore, it has been classified as a Variant of Uncertain Significance.

Sema4
Classification: Uncertain significance for Hereditary cancer-predisposing syndrome. Last evaluated: 2021-05-02. Review status: criteria provided, single submitter. Criteria: Sema4 Curation Guidelines. Collection method: curation. Allele origin: germline.
Comment: The POLE c.6640T>G (p.F2214V) variant has not been reported in the literature to our knowledge. This variant was not observed in the large and broad cohorts of the Genome Aggregation Database. The variant has not been reported in Clinvar. Computational analyses and evolutionary conservation data do not provide strong support for or against an impact to the protein, however these predictions have not been confirmed by published functional studies. The overall evidence is insufficient to meet ACMG/AMP criteria for classifying it as benign or pathogenic. Thus, the clinical significance of this variant is currently uncertain.

PreventionGenetics, part of Exact Sciences
Classification: Uncertain significance for POLE-related condition. Last evaluated: 2023-11-15. Review status: no assertion criteria provided. Collection method: clinical testing. Allele origin: germline. Not counted in ClinVar's aggregate classification.
Comment: The POLE c.6640T>G variant is predicted to result in the amino acid substitution p.Phe2214Val. To our knowledge, this variant has not been reported in the literature or in a large population database, indicating this variant is rare. It is interpreted as uncertain significance in ClinVar. At this time, the clinical significance of this variant is uncertain due to the absence of conclusive functional and genetic evidence.

NM_006231.4(POLE):c.6640T>G (p.Phe2214Val)

Gene: POLE (DNA polymerase epsilon, catalytic subunit; minus strand). Cytogenetic location: 12q24.33.
Variant type: single nucleotide variant.
Coding change: c.6640T>G on transcript NM_006231.4 (MANE Select); coding-DNA position 6640, T replaced by G.
Protein change: p.Phe2214Val; replaces phenylalanine 2214 with valine.
Molecular consequence: missense variant.
Genome position (GRCh38, 1-based): chr12:132,625,662, A>C on the plus strand (T>G on the coding strand, the complement: POLE is on the minus strand). VCF-style: chr12-132625662-A-C. GRCh37 (hg19) VCF-style: chr12-133202248-A-C.
Other names: c.6640T>G (NM_006231.2); short protein forms F2214V.
Identifiers: ClinVar variation 1414706 (VCV001414706.14), dbSNP rs1251545206, ClinGen allele CA387366463.